The following is an entry in ClinVar:

ClinVar aggregate classification (germline): Benign/Likely benign. Review status: criteria provided, multiple submitters, no conflicts (2 of 4 stars). 6 submissions from 6 submitters: Benign (2); Likely benign (4). Last evaluated 2026-01-26.

Conditions:
Hereditary cancer-predisposing syndrome. Also called: Neoplastic Syndromes, Hereditary; Hereditary neoplastic syndrome; Hereditary Cancer Syndrome; Tumor predisposition. Identifiers: Orphanet 140162, MedGen C0027672, MeSH D009386, MONDO:0015356.
POLD1-related polyposis and colorectal cancer syndrome (CRCS10). Also called: Colorectal cancer, susceptibility to, 10; Colorectal cancer 10; COLORECTAL CANCER, SUSCEPTIBILITY TO, ON CHROMOSOME 19q. Identifiers: Orphanet 220460, MedGen C2675481, MONDO:0012953, OMIM 612591.

Allele frequency attached by ClinVar (database versions not stated): gnomAD 0.00001; gnomAD exomes 0.00002 and 0.00006; TOPMed 0.00002; ExAC 0.00007.
gnomAD v4.1: 13 of 1,613,602 alleles (0.00081%); highest among the groups gnomAD compares: Admixed American, 0.022%; no homozygotes.

Submissions (6):

Labcorp Genetics (formerly Invitae), Labcorp
Classification: Likely benign for POLD1-related polyposis and colorectal cancer syndrome. Last evaluated: 2026-01-26. Review status: criteria provided, single submitter. Criteria: Invitae Variant Classification Sherloc (09022015). Collection method: clinical testing. Allele origin: germline.

Myriad Genetics, Inc.
Classification: Benign for POLD1-related polyposis and colorectal cancer syndrome. Last evaluated: 2025-02-06. Review status: criteria provided, single submitter. Criteria: Myriad Autosomal Dominant, Autosomal Recessive and X-Linked Classification Criteria (2023). Collection method: clinical testing. Allele origin: unknown.
Comment: This variant is considered benign. This variant is a silent/synonymous amino acid change and it is not expected to impact splicing.

Sema4
Classification: Benign for Hereditary cancer-predisposing syndrome. Last evaluated: 2021-05-06. Review status: criteria provided, single submitter. Criteria: Sema4 Curation Guidelines. Collection method: curation. Allele origin: germline.

GeneDx
Classification: Likely benign. Last evaluated: 2020-03-16. Review status: criteria provided, single submitter. Criteria: GeneDx Variant Classification Process June 2021. Collection method: clinical testing. Allele origin: germline. Affected: yes.

PreventionGenetics, part of Exact Sciences
Classification: Likely benign. Last evaluated: 2018-01-09. Review status: criteria provided, single submitter. Criteria: ACMG Guidelines, 2015. Collection method: clinical testing. Allele origin: germline.

Ambry Genetics
Classification: Likely benign for Hereditary cancer-predisposing syndrome. Last evaluated: 2017-05-16. Review status: criteria provided, single submitter. Criteria: Ambry Variant Classification Scheme 2023. Collection method: clinical testing. Allele origin: germline.

NM_002691.4(POLD1):c.1560G>A (p.Leu520=)

Gene: POLD1 (DNA polymerase delta 1, catalytic subunit; plus strand). Cytogenetic location: 19q13.33.
Variant type: single nucleotide variant.
Coding change: c.1560G>A on transcript NM_002691.4 (MANE Select); coding-DNA position 1560, G replaced by A.
Protein change: p.Leu520=; no amino-acid change (leucine 520 retained).
Molecular consequence: synonymous variant. On other transcripts: non-coding transcript variant (1).
Genome position (GRCh38, 1-based): chr19:50,407,048, G>A. VCF-style: chr19-50407048-G-A. GRCh37 (hg19) VCF-style: chr19-50910305-G-A.
Other names: c.1560G>A, p.Leu520= (NM_001256849.1, NM_001308632.1).
Identifiers: ClinVar variation 414780 (VCV000414780.20), dbSNP rs200345841, ClinGen allele CA9596177.